The following is an entry in ClinVar:

ClinVar aggregate classification (germline): Likely benign (1 of 4 stars; one submission).

Conditions:
CACNA1S-related disorder. Also called: CACNA1S-related condition.

Submission:

PreventionGenetics, part of Exact Sciences
Classification: Likely benign for CACNA1S-related condition. Last evaluated: 2025-08-19. Review status: criteria provided, single submitter. Criteria: ACMG Guidelines, 2015. Collection method: clinical testing. Allele origin: germline.
Comment: This variant is classified as likely benign based on ACMG/AMP sequence variant interpretation guidelines (Richards et al. 2015 PMID: 25741868, with internal and published modifications).

NM_000069.3(CACNA1S):c.4442-7G>A

Gene: CACNA1S (calcium voltage-gated channel subunit alpha1 S; minus strand). Cytogenetic location: 1q32.1.
Variant type: single nucleotide variant.
Coding change: c.4442-7G>A on transcript NM_000069.3 (MANE Select); 7 bases into the intron before coding-DNA position 4442, G replaced by A.
Molecular consequence: intron variant.
Genome position (GRCh38, 1-based): chr1:201,047,633, C>T on the plus strand (G>A on the coding strand, the complement: CACNA1S is on the minus strand). VCF-style: chr1-201047633-C-T. GRCh37 (hg19) VCF-style: chr1-201016761-C-T.
Identifiers: ClinVar variation 4992653 (VCV004992653.1).